The following is an entry in ClinVar:

NM_001253852.3(AP4B1):c.311_312delinsC (p.Leu104fs)

Gene: AP4B1 (adaptor related protein complex 4 subunit beta 1; minus strand). Cytogenetic location: 1p13.2.
Variant type: Indel.
Coding change: c.311_312delinsC on transcript NM_001253852.3 (MANE Select); coding-DNA positions 311 to 312, TG replaced by C.
Protein change: p.Leu104fs; shifts the reading frame from leucine 104.
Molecular consequence: frameshift variant. On other transcripts: intron variant (1).
Genome position (GRCh38, 1-based): chr1:113,902,664-113,902,665, CA replaced by G on the plus strand (TG replaced by C on the coding strand, the reverse complement: AP4B1 is on the minus strand). VCF-style: chr1-113902664-CA-G. GRCh37 (hg19) VCF-style: chr1-114445286-CA-G.
Other names: c.14_15delinsC, p.Leu5fs (NM_001253853.3); c.311_312delinsC, p.Leu104fs (NM_006594.5); c.113+1940_113+1941delinsC (NM_001308312.2); c.311_312delinsC (NM_006594.3); short protein forms L104fs, L5fs.
Identifiers: ClinVar variation 210195 (VCV000210195.9), dbSNP rs797045244, ClinGen allele CA347449.

ClinVar aggregate classification (germline): Pathogenic. Review status: criteria provided, multiple submitters, no conflicts (2 of 4 stars). 3 submissions from 3 submitters: Pathogenic (2). 1 of the submissions does not count toward it. Last evaluated 2025-10-25.

Conditions:
Spastic paraplegia. Identifiers: MedGen C0037772, HP:0001258.
Hereditary spastic paraplegia 47. Also called: CEREBRAL PALSY, SPASTIC QUADRIPLEGIC, 5; Spastic paraplegia 47, autosomal recessive; adaptor protein 4 (AP-4) deficiency syndrome. Identifiers: Orphanet 280763, MedGen C3279738, MONDO:0013551, OMIM 614066.

Submissions (3):

GeneDx
Classification: Pathogenic. Last evaluated: 2025-10-25. Review status: criteria provided, single submitter. Criteria: GeneDx Variant Classification Process June 2021. Collection method: clinical testing. Allele origin: germline.
Comment: Frameshift variant predicted to result in protein truncation or nonsense mediated decay in a gene for which loss of function is a known mechanism of disease; Not observed at significant frequency in large population cohorts (gnomAD); This variant is associated with the following publications: (PMID: 32979048, 25693842)

Genetic Services Laboratory, University of Chicago
Classification: Pathogenic for Spastic paraplegia 47, autosomal recessive. Last evaluated: 2014-02-19. Review status: criteria provided, single submitter. Criteria: ACMG Guidelines, 2007. Collection method: clinical testing. Allele origin: germline. Affected: yes.

Yale Center for Mendelian Genomics, Yale University
Classification: Likely pathogenic for Spastic paraplegia. Last evaluated: 2020-10-01. Review status: no assertion criteria provided. Collection method: literature only. Allele origin: germline. Affected: yes. Observed: 1 compound heterozygote. Study: Yale Center for Mendelian Genomics. Not counted in ClinVar's aggregate classification.

Literature cited by the submitters: PubMed 32979048 (cited by Yale Center for Mendelian Genomics, Yale University).